The following is an entry in ClinVar:

ClinVar aggregate classification (germline): Uncertain significance (1 of 4 stars; one submission).

gnomAD v4.1: 2 of 111,414 alleles (0.0018%); highest among the groups gnomAD compares: African/African-American, 0.0066%; no homozygotes.

Submission:

Greenwood Genetic Center Diagnostic Laboratories, Greenwood Genetic Center
Classification: Uncertain significance. Last evaluated: 2025-10-28. Review status: criteria provided, single submitter. Criteria: ACMG Guidelines, 2015. Collection method: clinical testing. Allele origin: germline. Affected: yes.
Comment: PM2

NM_001330574.2(ZNF711):c.-406+661C>T

Gene: ZNF711 (zinc finger protein 711; plus strand). Cytogenetic location: Xq21.1.
Variant type: single nucleotide variant.
Coding change: c.-406+661C>T on transcript NM_001330574.2 (MANE Select); 661 bases into the intron after 406 bases upstream of the start codon, C replaced by T.
Molecular consequence: intron variant.
Genome position (GRCh38, 1-based): chrX:85,244,852, C>T. VCF-style: chrX-85244852-C-T. GRCh37 (hg19) VCF-style: chrX-84499858-C-T.
Other names: c.-401+661C>T (NM_001375437.1, NM_001375432.1); c.-290+661C>T (NM_001375434.1); c.-147+661C>T (NM_021998.5); c.-27+661C>T (NM_001375431.1); c.-764+661C>T (NM_001375433.1, NM_001375435.1); c.-406+661C>T (NM_001375436.1).
Identifiers: ClinVar variation 4845609 (VCV004845609.1).
Genomic context (GRCh38, chrX:85,244,852, plus strand): 5'-CAACCGTCTCCCACGTAGCGGGGCAGAGGAAGCTGGAGGAGGCTGAGGGGCTGGGCAGCA[C>T]GGCGTGGGTAGCAGCGGTGGCGACCGCTGCACCAAGTGAGAGGAGGGAGGAGGGGAAAGG-3'